The following is an entry in ClinVar:

NM_031485.4(GRWD1):c.*4G>A

Gene: GRWD1 (glutamate rich WD repeat containing 1; plus strand). Cytogenetic location: 19q13.33.
Variant type: single nucleotide variant.
Coding change: c.*4G>A on transcript NM_031485.4 (MANE Select); 4 bases downstream of the stop codon, G replaced by A.
Molecular consequence: 3 prime UTR variant.
Genome position (GRCh38, 1-based): chr19:48,453,029, G>A. VCF-style: chr19-48453029-G-A. GRCh37 (hg19) VCF-style: chr19-48956286-G-A.
Identifiers: ClinVar variation 3053122 (VCV003053122.2), dbSNP rs747893188, ClinGen allele CA9551323.
Genomic context (GRCh38, chr19:48,453,029, plus strand): 5'-CTCCTGGTCAGCACGGCGCTGTCAGGCTTCACCATCTTCCGCACCATCAGCGTCTGAGGC[G>A]TCCCACTGGCTCTGATCTTGCTTCCTGCTTGGAAACTGAAGTCGAATTGGGCTCCCCTGG-3'

ClinVar aggregate classification (germline): Likely benign (0 of 4 stars; one submission).

Conditions:
GRWD1-related disorder. Also called: GRWD1-related condition.

Allele frequency attached by ClinVar (database versions not stated): ExAC 0.00006; TOPMed 0.00006; gnomAD 0.00007; gnomAD exomes 0.00008.
gnomAD v4.1: 128 of 1,570,228 alleles (0.0082%); highest among the groups gnomAD compares: Non-Finnish European, 0.0097%; no homozygotes.

Submission:

PreventionGenetics, part of Exact Sciences
Classification: Likely benign for GRWD1-related condition. Last evaluated: 2019-08-28. Review status: no assertion criteria provided. Collection method: clinical testing. Allele origin: germline.
Comment: This variant is classified as likely benign based on ACMG/AMP sequence variant interpretation guidelines (Richards et al. 2015 PMID: 25741868, with internal and published modifications).